The following is an entry in ClinVar:

ClinVar aggregate classification (germline): Uncertain significance (1 of 4 stars; one submission).

Conditions:
Developmental and epileptic encephalopathy, 23 (DEE23). Also called: Epileptic encephalopathy, early infantile, 23. Identifiers: Orphanet 411986, MedGen C4014492, MONDO:0014371, OMIM 615859.

Submission:

Labcorp Genetics (formerly Invitae), Labcorp
Classification: Uncertain significance for Developmental and epileptic encephalopathy, 23. Last evaluated: 2022-07-06. Review status: criteria provided, single submitter. Criteria: Invitae Variant Classification Sherloc (09022015). Collection method: clinical testing. Allele origin: germline.
Comment: In summary, the available evidence is currently insufficient to determine the role of this variant in disease. Therefore, it has been classified as a Variant of Uncertain Significance. Algorithms developed to predict the effect of missense changes on protein structure and function are either unavailable or do not agree on the potential impact of this missense change (SIFT: "Tolerated"; PolyPhen-2: "Probably Damaging"; Align-GVGD: "Class C0"). ClinVar contains an entry for this variant (Variation ID: 1501576). This variant has not been reported in the literature in individuals affected with DOCK7-related conditions. This variant is not present in population databases (gnomAD no frequency). This sequence change replaces threonine, which is neutral and polar, with proline, which is neutral and non-polar, at codon 682 of the DOCK7 protein (p.Thr682Pro).

NM_001367561.1(DOCK7):c.2044A>C (p.Thr682Pro)

Gene: DOCK7 (dedicator of cytokinesis 7; minus strand). Cytogenetic location: 1p31.3.
Variant type: single nucleotide variant.
Coding change: c.2044A>C on transcript NM_001367561.1 (MANE Select); coding-DNA position 2044, A replaced by C.
Protein change: p.Thr682Pro; replaces threonine 682 with proline.
Molecular consequence: missense variant.
Genome position (GRCh38, 1-based): chr1:62,577,330, T>G on the plus strand (A>C on the coding strand, the complement: DOCK7 is on the minus strand). VCF-style: chr1-62577330-T-G. GRCh37 (hg19) VCF-style: chr1-63043001-T-G.
Other names: c.2044A>C, p.Thr682Pro (NM_001271999.2, NM_001272000.2, NM_001272001.2 and 2 more transcripts); short protein forms T682P.
Identifiers: ClinVar variation 1501576 (VCV001501576.6), dbSNP rs1571618310, ClinGen allele CA340629021.